The following is an entry in ClinVar:

NM_001077365.2(POMT1):c.1139_1142dup (p.Val382fs)

Gene: POMT1 (protein O-mannosyltransferase 1; plus strand). Cytogenetic location: 9q34.13.
Variant type: Duplication.
Coding change: c.1139_1142dup on transcript NM_001077365.2 (MANE Select); coding-DNA positions 1139 to 1142, 4 bases duplicated (AGCT; older notation c.1139_1142dupAGCT).
Protein change: p.Val382fs; shifts the reading frame from valine 382.
Molecular consequence: frameshift variant. On other transcripts: non-coding transcript variant (10), intron variant (1).
Genome position (GRCh38, 1-based): chr9:131,513,295-131,513,298, AGCT duplicated. VCF-style (leftmost placement, unchanged base first): chr9-131513294-C-CAGCT. GRCh37 (hg19) VCF-style: chr9-134388681-C-CAGCT.
Other names: c.824+1828_824+1831dup (NM_001374693.1); c.788_791dup, p.Val265fs (NM_001374692.1, NM_001374691.1, NM_001136114.2 and 1 more transcripts); c.749_752dup, p.Val252fs (NM_001374695.1); c.8_11dup, p.Val5fs (NM_001411024.1); c.1205_1208dup, p.Val404fs (NM_007171.4, NM_001353193.2); c.683_686dup, p.Val230fs (NM_001353200.2); c.1127_1130dup, p.Val378fs (NM_001374689.1); c.1139_1142dup, p.Val382fs (NM_001374690.1, NM_001136113.2); and 4 more; short protein forms V230fs, V252fs, V265fs, V287fs, V328fs, V350fs, V352fs, V378fs.
Identifiers: ClinVar variation 3757398 (VCV003757398.2).
Genomic context (GRCh38, chr9:131,513,294, plus strand): 5'-TCCAGGCACCAGCTGGTGGTGAGCAGCCCTCCGAGACCTGTGAGGCACGGGGACATGGTG[C>CAGCT]AGCTGGTCCACGGCATGACCACCCGCTCCCTGAACACGTGAGTGTGCCCGCCGTCTGCTC-3'

ClinVar aggregate classification (germline): Pathogenic (1 of 4 stars; one submission).

Conditions:
Muscular dystrophy-dystroglycanopathy (congenital with impaired intellectual development), type B, 1. Also called: MUSCULAR DYSTROPHY, CONGENITAL, POMT1-RELATED; Muscular dystrophy-dystroglycanopathy (congenital with intellectual disability), type B1. Identifiers: MedGen C5436962, MONDO:0013159, OMIM 613155.
Walker-Warburg congenital muscular dystrophy. Also called: Muscular dystrophy-dystroglycanopathy, type A; Walker-Warburg syndrome. Identifiers: Orphanet 899, MedGen C0265221, MONDO:0000171.
Autosomal recessive limb-girdle muscular dystrophy type 2K. Also called: MUSCULAR DYSTROPHY-DYSTROGLYCANOPATHY (LIMB-GIRDLE), TYPE C, 1; MUSCULAR DYSTROPHY, LIMB-GIRDLE, TYPE 2K. Identifiers: Orphanet 86812, MedGen C1836373, MONDO:0012248, OMIM 609308.

Submission:

Labcorp Genetics (formerly Invitae), Labcorp
Classification: Pathogenic for Muscular dystrophy-dystroglycanopathy (congenital with impaired intellectual development), type B, 1; Walker-Warburg congenital muscular dystrophy; Autosomal recessive limb-girdle muscular dystrophy type 2K. Last evaluated: 2024-07-24. Review status: criteria provided, single submitter. Criteria: Invitae Variant Classification Sherloc (09022015). Collection method: clinical testing. Allele origin: germline.
Comment: This sequence change creates a premature translational stop signal (p.Val404Alafs*14) in the POMT1 gene. It is expected to result in an absent or disrupted protein product. Loss-of-function variants in POMT1 are known to be pathogenic (PMID: 12369018, 15637732, 16575835). This variant is not present in population databases (gnomAD no frequency). This variant has not been reported in the literature in individuals affected with POMT1-related conditions. For these reasons, this variant has been classified as Pathogenic.

Literature cited by the submitters: PubMed 12369018; PubMed 15637732; PubMed 16575835.